The following is an entry in ClinVar:

ClinVar aggregate classification (germline): Benign/Likely benign. Review status: criteria provided, multiple submitters, no conflicts (2 of 4 stars). 15 submissions from 15 submitters: Benign (3); Likely benign (7). 5 of the submissions do not count toward it. Last evaluated 2026-02-04.

Conditions:
Hereditary cancer-predisposing syndrome. Also called: Tumor predisposition; Hereditary neoplastic syndrome; Neoplastic Syndromes, Hereditary; Hereditary Cancer Syndrome. Identifiers: Orphanet 140162, MedGen C0027672, MeSH D009386, MONDO:0015356.
Hereditary breast ovarian cancer syndrome. Also called: Hereditary breast and ovarian cancer syndrome (HBOC); Hereditary breast and ovarian cancer; Hereditary breast and ovarian cancer syndrome; Breast and ovarian cancer; Hereditary breast and/or ovarian cancer syndrome; BRCA1- and BRCA2-Associated Hereditary Breast and Ovarian Cancer. Identifiers: Orphanet 145, MedGen C0677776, MeSH D061325, MONDO:0003582. Disease mechanism: loss of function.
Breast-ovarian cancer, familial, susceptibility to, 1 (BROVCA1). Also called: BRCA1 Hereditary Breast and Ovarian Cancer; OVARIAN CANCER, SUSCEPTIBILITY TO. Identifiers: Orphanet 145, MedGen C2676676, MONDO:0011450, OMIM 604370. Disease mechanism: loss of function.
Malignant tumor of breast. Also called: Malignant breast neoplasm; Cancer breast. Identifiers: MedGen C0006142, MONDO:0007254. Disease mechanism: loss of function.

Allele frequency attached by ClinVar (database versions not stated): gnomAD below 0.00001 and 0.00006; TOPMed 0.00002; gnomAD exomes 0.00017 and 0.00036; 1000 Genomes Project 30x 0.00047; ExAC 0.00060.

Submissions (15):

Labcorp Genetics (formerly Invitae), Labcorp
Classification: Benign for Hereditary breast ovarian cancer syndrome. Last evaluated: 2026-02-04. Review status: criteria provided, single submitter. Criteria: Invitae Variant Classification Sherloc (09022015). Collection method: clinical testing. Allele origin: germline.

CeGaT Center for Human Genetics Tuebingen
Classification: Likely benign. Last evaluated: 2026-02-01. Review status: criteria provided, single submitter. Criteria: CeGaT Center For Human Genetics Tuebingen Variant Classification Criteria Version 2. Collection method: clinical testing. Allele origin: germline. Affected: yes. Observed: 1 variant allele.
Comment: BRCA1: BP4, BS1

Center for Genomic Medicine, Rigshospitalet, Copenhagen University Hospital
Classification: Likely benign. Last evaluated: 2025-03-04. Review status: criteria provided, single submitter. Criteria: ACMG Guidelines, 2015. Collection method: clinical testing. Allele origin: germline.

Blueprint Genetics
Classification: Benign. Last evaluated: 2024-07-10. Review status: criteria provided, single submitter. Criteria: ACMG Guidelines, 2015. Collection method: clinical testing. Allele origin: germline.

National Health Laboratory Service, Universitas Academic Hospital and University of the Free State
Classification: Likely benign for Hereditary breast ovarian cancer syndrome. Last evaluated: 2021-11-16. Review status: criteria provided, single submitter. Criteria: ACMG Guidelines, 2015. Collection method: clinical testing. Allele origin: germline. Affected: yes. Observed: 2 variant alleles.

Sema4
Classification: Likely benign for Hereditary cancer-predisposing syndrome. Last evaluated: 2021-08-23. Review status: criteria provided, single submitter. Criteria: Sema4 Curation Guidelines. Collection method: curation. Allele origin: germline.

GeneDx
Classification: Likely benign. Last evaluated: 2020-09-21. Review status: criteria provided, single submitter. Criteria: GeneDx Variant Classification Process June 2021. Collection method: clinical testing. Allele origin: germline. Affected: yes.
Comment: This variant is associated with the following publications: (PMID: 17018160, 31131967)

Women's Health and Genetics/Laboratory Corporation of America, LabCorp
Classification: Benign. Last evaluated: 2019-04-02. Review status: criteria provided, single submitter. Criteria: LabCorp Variant Classification Summary - May 2015. Collection method: clinical testing. Allele origin: germline.
Comment: Variant summary: BRCA1 c.671-12delG alters a non-conserved nucleotide located close to a canonical splice site and therefore could affect mRNA splicing, leading to a significantly altered protein sequence. 5/5 computational tools predict no significant impact on normal splicing. However, these predictions have yet to be confirmed by functional studies. The variant allele was found at a frequency of 0.00036 in 217658 control chromosomes, predominantly at a frequency of 0.0027 within the South Asian subpopulation in the gnomAD database. The observed variant frequency within South Asian control individuals in the gnomAD database is approximately 3 fold of the estimated maximal expected allele frequency for a pathogenic variant in BRCA1 causing Hereditary Breast and Ovarian Cancer phenotype (0.001), strongly suggesting that the variant is a benign polymorphism found primarily in populations of South Asian origin. The variant, c.671-12delG, has been reported in the literature in individuals affected with Breast and Ovarian Cancer (Saxena_2006, DArgenio_2015, Trujillano_2014). These reports do not provide unequivocal conclusions about association of the variant with Hereditary Breast and Ovarian Cancer. To our knowledge, no experimental evidence demonstrating an impact on protein function has been reported. Five clinical diagnostic laboratories have submitted clinical-significance assessments for this variant to ClinVar after 2014 without evidence for independent evaluation (1x benign, 4x likely benign). Based on the evidence outlined above, the variant was classified as benign.

PreventionGenetics, part of Exact Sciences
Classification: Likely benign. Last evaluated: 2017-07-06. Review status: criteria provided, single submitter. Criteria: ACMG Guidelines, 2015. Collection method: clinical testing. Allele origin: germline.

Color Diagnostics, LLC DBA Color Health
Classification: Likely benign for Hereditary cancer-predisposing syndrome. Last evaluated: 2015-09-09. Review status: criteria provided, single submitter. Criteria: ACMG Guidelines, 2015. Collection method: clinical testing. Allele origin: germline.

Sharing Clinical Reports Project (SCRP)
Classification: Benign for Breast-ovarian cancer, familial 1. Last evaluated: 2009-02-25. Review status: no assertion criteria provided. Collection method: clinical testing. Allele origin: germline. Not counted in ClinVar's aggregate classification.

Breast Cancer Information Core (BIC) (BRCA1)
Classification: Uncertain significance for Breast-ovarian cancer, familial 1. Last evaluated: 2003-12-23. Review status: no assertion criteria provided. Collection method: clinical testing. Allele origin: germline. Affected: yes. Observed: 1 variant allele. Not counted in ClinVar's aggregate classification.

Clinical Genetics DNA and cytogenetics Diagnostics Lab, Erasmus MC, Erasmus Medical Center
Classification: Likely benign. Review status: no assertion criteria provided. Collection method: clinical testing. Allele origin: germline. Affected: yes. Study: VKGL Data-share Consensus. Not counted in ClinVar's aggregate classification.

Clinical Genetics Laboratory, Department of Pathology, Netherlands Cancer Institute
Classification: Likely benign. Review status: no assertion criteria provided. Collection method: clinical testing. Allele origin: germline. Affected: yes. Study: VKGL Data-share Consensus. Not counted in ClinVar's aggregate classification.

Department of Pathology and Laboratory Medicine, Sinai Health System
Classification: Likely benign for Malignant tumor of breast. Review status: no assertion criteria provided. Collection method: clinical testing. Allele origin: unknown. Affected: yes. Study: The Canadian Open Genetics Repository (COGR). Not counted in ClinVar's aggregate classification.
Comment: The BRCA1 c.671-12delG variant was identified in 4 of 408 proband chromosomes (frequency: 0.010) from individuals or families with hereditary breast and ovarian cancer in the Northern Indian population, and was not identified in 280 control chromosomes from healthy individuals (Saxena 2006). The variant was also identified in ClinVar database (as â€šÃ„Ãºuncertain significanceâ€šÃ„Ã¹ by BIC and â€šÃ„Ãºbenignâ€šÃ„Ã¹ by SCRP) and the Exome Aggregation Consortium database (August 8, 2016) in 1 of 64096 chromosomes (freq. 1.56x10-5) in the following populations: European (Non-Finish) in 1 of 33020 chromosomes (freq. 3.03x10-5) but was not seen in African, East Asian, East African, Finish, Latio, South Asian or other populations. The variant was not found in dbSNP, Fanconi Anemia Mutation Database (LOVD), LOVD-IARC database, ARUP Laboratories BRCA Mutations Database, COSMIC, GeneInsight COGR database, and UMD. The c.671-12delG variant is located in the 3' splice region but does not affect the invariant -1 and -2 positions. However, positions -3 and -5 to -12 are part of the splicing consensus sequence and variants involving these positions sometimes affect splicing. In addition, all in silico or computational prediction software programs (SpliceSiteFinder, MaxEntScan, NNSPLICE, GeneSplicer, HumanSpliceFinder) predicted no alteration in splicing. In summary, based on the above information, the clinical significance of this variant cannot be determined with certainty at this time although we would lean towards a more benign role for this variant. This variant is classified as likely benign.

Literature cited by the submitters: DOI 10.3389/fgene.2022.834265 (cited by National Health Laboratory Service, Universitas Academic Hospital and University of the Free State); PubMed 17018160 (cited by Women's Health and Genetics/Laboratory Corporation of America, LabCorp); PubMed 25556971 (cited by Women's Health and Genetics/Laboratory Corporation of America, LabCorp); PubMed 25896959 (cited by Women's Health and Genetics/Laboratory Corporation of America, LabCorp).

NM_007294.4(BRCA1):c.671-12del

Gene: BRCA1 (BRCA1 DNA repair associated; minus strand). Cytogenetic location: 17q21.31.
Variant type: Deletion.
Coding change: c.671-12del on transcript NM_007294.4 (MANE Select); 12 bases into the intron before coding-DNA position 671, one base deleted (G; older notation c.671-12delG).
Molecular consequence: intron variant.
Genome position (GRCh38, 1-based): chr17:43,094,872, C deleted on the plus strand (G on the coding strand, the reverse complement: BRCA1 is on the minus strand). VCF-style (leftmost placement, unchanged base first): chr17-43094871-AC-A. GRCh37 (hg19) VCF-style: chr17-41246888-AC-A.
Other names: IVS10-12delG; c.671-12delG (NM_007294.3, NM_007294.4); c.530-12del (NM_001408458.1, NM_001408469.1, NM_001408453.1 and 43 more transcripts); c.-218-12del (NM_001407967.1, NM_001407966.1); c.290-12del (NM_001407959.1, NM_001408510.1, NM_001407963.1 and 1 more transcripts); c.404-12del (NM_001407931.1, NM_001407932.1, NM_001408503.1 and 5 more transcripts); c.527-12del (NM_001407747.1, NM_001408470.1, NM_001407848.1 and 26 more transcripts); c.287-12del (NM_001407962.1); and 22 more.
Identifiers: ClinVar variation 96955 (VCV000096955.43), dbSNP rs273902781, ClinGen allele CA003800.